The following is an entry in ClinVar:

NM_004519.4(KCNQ3):c.848A>G (p.Glu283Gly)

Gene: KCNQ3 (potassium voltage-gated channel subfamily Q member 3; minus strand). Cytogenetic location: 8q24.22.
Variant type: single nucleotide variant.
Coding change: c.848A>G on transcript NM_004519.4 (MANE Select); coding-DNA position 848, A replaced by G.
Protein change: p.Glu283Gly; replaces glutamic acid 283 with glycine.
Molecular consequence: missense variant.
Genome position (GRCh38, 1-based): chr8:132,175,538, T>C on the plus strand (A>G on the coding strand, the complement: KCNQ3 is on the minus strand). VCF-style: chr8-132175538-T-C. GRCh37 (hg19) VCF-style: chr8-133187785-T-C.
Other names: c.488A>G, p.Glu163Gly (NM_001204824.2); short protein forms E283G, E163G.
Identifiers: ClinVar variation 2816945 (VCV002816945.3), dbSNP rs1826520634, ClinGen allele CA372290481.
Genomic context (GRCh38, chr8:132,175,538, plus strand): 5'-TAGGTCTCAAACTCCTCTTTCATCTCCTCTCCTTGTGCATCCACCTCTGGGACGTCTTTC[T>C]CAACCAGGTAGACAAGAAATGAAGAAAGGATGAGTGTCAGGAAACCGATGTACCAGGCCG-3'
Protein context (NP_004510.1, residues 273-293): ILSSFLVYLV[Glu283Gly]KDVPEVDAQG

ClinVar aggregate classification (germline): Uncertain significance (1 of 4 stars; one submission).

Conditions:
Benign neonatal seizures. Also called: Benign neonatal familial convulsions; Benign familial neonatal epilepsy; Convulsions benign familial neonatal dominant form; Autosomal dominant form of benign neonatal seizures; Benign familial neonatal seizures. Identifiers: Orphanet 1949, MedGen C0220669, MONDO:0016027.

Submission:

Labcorp Genetics (formerly Invitae), Labcorp
Classification: Uncertain significance for Benign neonatal seizures. Last evaluated: 2022-11-27. Review status: criteria provided, single submitter. Criteria: Invitae Variant Classification Sherloc (09022015). Collection method: clinical testing. Allele origin: germline.
Comment: Advanced modeling of protein sequence and biophysical properties (such as structural, functional, and spatial information, amino acid conservation, physicochemical variation, residue mobility, and thermodynamic stability) performed at Invitae indicates that this missense variant is expected to disrupt KCNQ3 protein function. This variant has not been reported in the literature in individuals affected with KCNQ3-related conditions. This variant is not present in population databases (gnomAD no frequency). This sequence change replaces glutamic acid, which is acidic and polar, with glycine, which is neutral and non-polar, at codon 283 of the KCNQ3 protein (p.Glu283Gly). In summary, the available evidence is currently insufficient to determine the role of this variant in disease. Therefore, it has been classified as a Variant of Uncertain Significance.